The following is an entry in ClinVar:

ClinVar aggregate classification (germline): Uncertain significance. Review status: criteria provided, multiple submitters, no conflicts (2 of 4 stars). 2 submissions from 2 submitters: Uncertain significance (2). Last evaluated 2024-01-06.

Conditions:
Inborn genetic diseases. Identifiers: MedGen C0950123, MeSH D030342.

Submissions (2):

Labcorp Genetics (formerly Invitae), Labcorp
Classification: Uncertain significance. Last evaluated: 2024-01-06. Review status: criteria provided, single submitter. Criteria: Invitae Variant Classification Sherloc (09022015). Collection method: clinical testing. Allele origin: germline.
Comment: This sequence change replaces valine, which is neutral and non-polar, with methionine, which is neutral and non-polar, at codon 126 of the CASQ1 protein (p.Val126Met). This variant is not present in population databases (gnomAD no frequency). This variant has not been reported in the literature in individuals affected with CASQ1-related conditions. ClinVar contains an entry for this variant (Variation ID: 2562083). Advanced modeling of protein sequence and biophysical properties (such as structural, functional, and spatial information, amino acid conservation, physicochemical variation, residue mobility, and thermodynamic stability) performed at Invitae indicates that this missense variant is not expected to disrupt CASQ1 protein function with a negative predictive value of 80%. In summary, the available evidence is currently insufficient to determine the role of this variant in disease. Therefore, it has been classified as a Variant of Uncertain Significance.

Ambry Genetics
Classification: Uncertain significance for Inborn genetic diseases. Last evaluated: 2023-04-07. Review status: criteria provided, single submitter. Criteria: Ambry Variant Classification Scheme 2023. Collection method: clinical testing. Allele origin: germline.
Comment: The p.V126M variant (also known as c.376G>A), located in coding exon 3 of the CASQ1 gene, results from a G to A substitution at nucleotide position 376. The valine at codon 126 is replaced by methionine, an amino acid with highly similar properties. This amino acid position is conserved. In addition, this alteration is predicted to be tolerated by in silico analysis. Since supporting evidence is limited at this time, the clinical significance of this alteration remains unclear.

NM_001231.5(CASQ1):c.376G>A (p.Val126Met)

Gene: CASQ1 (calsequestrin 1; plus strand). Cytogenetic location: 1q23.2.
Variant type: single nucleotide variant.
Coding change: c.376G>A on transcript NM_001231.5 (MANE Select); coding-DNA position 376, G replaced by A.
Protein change: p.Val126Met; replaces valine 126 with methionine.
Molecular consequence: missense variant.
Genome position (GRCh38, 1-based): chr1:160,193,758, G>A. VCF-style: chr1-160193758-G-A. GRCh37 (hg19) VCF-style: chr1-160163548-G-A.
Other names: short protein forms V126M.
Identifiers: ClinVar variation 2562083 (VCV002562083.5), dbSNP rs2525050902, ClinGen allele CA343253611.